The following is an entry in ClinVar:

ClinVar aggregate classification (germline): Likely benign (1 of 4 stars; one submission).

gnomAD v4.1: 5 of 1,609,594 alleles (0.00031%); highest among the groups gnomAD compares: African/African-American, 0.0013%; no homozygotes.

Submission:

Mayo Clinic Laboratories, Mayo Clinic
Classification: Likely benign. Last evaluated: 2025-01-14. Review status: criteria provided, single submitter. Criteria: ACMG Guidelines, 2015. Collection method: clinical testing. Allele origin: germline. Observed: 1 variant allele.
Comment: BP4, BP7

NM_000159.4(GCDH):c.1082+9T>C

Gene: GCDH (glutaryl-CoA dehydrogenase; plus strand). Cytogenetic location: 19p13.13.
Variant type: single nucleotide variant.
Coding change: c.1082+9T>C on transcript NM_000159.4 (MANE Select); 9 bases into the intron after coding-DNA position 1082, T replaced by C.
Molecular consequence: intron variant.
Genome position (GRCh38, 1-based): chr19:12,897,437, T>C. VCF-style: chr19-12897437-T-C. GRCh37 (hg19) VCF-style: chr19-13008251-T-C.
Other names: p.?; c.1082+9T>C (NM_013976.5).
Identifiers: ClinVar variation 4684313 (VCV004684313.1).